The following is an entry in ClinVar:

ClinVar aggregate classification (germline): Uncertain significance (1 of 4 stars; one submission).

Conditions:
Alkuraya-Kucinskas syndrome. Identifiers: Orphanet 610569, MedGen C4693347, MONDO:0060631, OMIM 617822.

Submission:

OLLIN Analises Genomicas, OLLIN
Classification: Uncertain significance for Alkuraya-Kucinskas syndrome. Last evaluated: 2026-08-06. Review status: criteria provided, single submitter. Criteria: ACMG Guidelines 2015 PMID 25741868. Collection method: clinical testing. Allele origin: germline.
Comment: This missense variant, located in exon 16 (of 88), is absent from gnomAD and ClinVar and has not been identified in the literature. In silico analysis predicts that this variant has a tolerated effect. According to the currently available evidence, this variant has been classified as uncertain significance (PM2_P, BP4_M).

NM_001384125.1(BLTP1):c.1565A>G (p.Asn522Ser)

Gene: BLTP1 (bridge-like lipid transfer protein family member 1; plus strand). Cytogenetic location: 4q27.
Variant type: single nucleotide variant.
Coding change: c.1565A>G on transcript NM_001384125.1 (MANE Select); coding-DNA position 1565, A replaced by G.
Protein change: p.Asn522Ser; replaces asparagine 522 with serine.
Molecular consequence: missense variant.
Genome position (GRCh38, 1-based): chr4:122,207,176, A>G. VCF-style: chr4-122207176-A-G. GRCh37 (hg19) VCF-style: chr4-123128331-A-G.
Other names: c.1565A>G, p.Asn522Ser (NM_015312.4); short protein forms N522S.
Identifiers: ClinVar variation 5003061 (VCV005003061.1).